The following is an entry in ClinVar:

NM_001873.4(CPE):c.609A>T (p.Lys203Asn)

Gene: CPE (carboxypeptidase E; plus strand). Cytogenetic location: 4q32.3.
Variant type: single nucleotide variant.
Coding change: c.609A>T on transcript NM_001873.4 (MANE Select); coding-DNA position 609, A replaced by T.
Protein change: p.Lys203Asn; replaces lysine 203 with asparagine.
Molecular consequence: missense variant.
Genome position (GRCh38, 1-based): chr4:165,467,792, A>T. VCF-style: chr4-165467792-A-T. GRCh37 (hg19) VCF-style: chr4-166388944-A-T.
Other names: short protein forms K203N.
Identifiers: ClinVar variation 4996779 (VCV004996779.1).

ClinVar aggregate classification (germline): Uncertain significance (1 of 4 stars; one submission).

Conditions:
CPE-related disorder. Also called: CPE-related condition.

gnomAD v4.1: 3 of 1,613,812 alleles (0.00019%); highest among the groups gnomAD compares: Admixed American, 0.0033%; no homozygotes.

Submission:

PreventionGenetics, part of Exact Sciences
Classification: Uncertain significance for CPE-related condition. Last evaluated: 2026-03-24. Review status: criteria provided, single submitter. Criteria: ACMG Guidelines, 2015. Collection method: clinical testing. Allele origin: germline.
Comment: The CPE c.609A>T variant is predicted to result in the amino acid substitution p.Lys203Asn. To our knowledge, this variant has not been reported in the literature. This variant is reported in 0.0029% of alleles in individuals of Latino descent in gnomAD. At this time, the clinical significance of this variant is uncertain due to the absence of conclusive functional and genetic evidence.